The following is an entry in ClinVar:

NM_013319.3(UBIAD1):c.59A>G (p.Lys20Arg)

Gene: UBIAD1 (UbiA prenyltransferase domain containing 1; plus strand). Cytogenetic location: 1p36.22.
Variant type: single nucleotide variant.
Coding change: c.59A>G on transcript NM_013319.3 (MANE Select); coding-DNA position 59, A replaced by G.
Protein change: p.Lys20Arg; replaces lysine 20 with arginine.
Molecular consequence: missense variant.
Genome position (GRCh38, 1-based): chr1:11,273,590, A>G. VCF-style: chr1-11273590-A-G. GRCh37 (hg19) VCF-style: chr1-11333647-A-G.
Other names: c.59A>G, p.Lys20Arg (NM_001330349.2, NM_001330350.2); short protein forms K20R.
Identifiers: ClinVar variation 3771171 (VCV003771171.14).
Genomic context (GRCh38, chr1:11,273,590, plus strand): 5'-CCATGGCGGCCTCTCAGGTCCTGGGGGAGAAGATTAACATCCTGTCGGGAGAGACTGTCA[A>G]AGCTGGGGACAGGGACCCGCTGGGGAACGACTGTCCCGAGCAAGATAGGCTCCCCCAGCG-3'
Protein context (NP_037451.1, residues 10-30): KINILSGETV[Lys20Arg]AGDRDPLGND

ClinVar aggregate classification (germline): Uncertain significance. Review status: criteria provided, multiple submitters, no conflicts (2 of 4 stars). 2 submissions from 2 submitters: Uncertain significance (2). Last evaluated 2025-07-27.

gnomAD v4.1: 81 of 1,613,698 alleles (0.005%); highest among the groups gnomAD compares: Non-Finnish European, 0.0061%; no homozygotes.

Submissions (2):

Labcorp Genetics (formerly Invitae), Labcorp
Classification: Uncertain significance. Last evaluated: 2025-07-27. Review status: criteria provided, single submitter. Criteria: Invitae Variant Classification Sherloc (09022015). Collection method: clinical testing. Allele origin: germline.
Comment: This sequence change replaces lysine, which is basic and polar, with arginine, which is basic and polar, at codon 20 of the UBIAD1 protein (p.Lys20Arg). This variant is present in population databases (rs372275682, gnomAD 0.008%). This variant has not been reported in the literature in individuals affected with UBIAD1-related conditions. ClinVar contains an entry for this variant (Variation ID: 3771171). An algorithm developed to predict the effect of missense changes on protein structure and function outputs the following: PolyPhen-2: "Benign". The arginine amino acid residue is found in multiple mammalian species, which suggests that this missense change does not adversely affect protein function. In summary, the available evidence is currently insufficient to determine the role of this variant in disease. Therefore, it has been classified as a Variant of Uncertain Significance.

CeGaT Center for Human Genetics Tuebingen
Classification: Uncertain significance. Last evaluated: 2025-01-01. Review status: criteria provided, single submitter. Criteria: CeGaT Center For Human Genetics Tuebingen Variant Classification Criteria Version 2. Collection method: clinical testing. Allele origin: germline. Affected: yes. Observed: 1 variant allele.